The following is an entry in ClinVar:

ClinVar aggregate classification (germline): Pathogenic. Review status: criteria provided, multiple submitters, no conflicts (2 of 4 stars). 2 submissions from 2 submitters: Pathogenic (2). Last evaluated 2023-08-01.

Conditions:
Cleft palate. Identifiers: Orphanet 2014, MedGen C2981150, MONDO:0016064, HP:0000175.
Abnormality of the dentition. Also called: Dental anomalies. Identifiers: MedGen C0262444, HP:0000164.
Clinodactyly of the 5th finger. Identifiers: MedGen C1850049, HP:0004209.
Global developmental delay (DD). Also called: Cognitive delay. Identifiers: MedGen C0557874, HP:0001263. Disease mechanism: loss of function.
Macrocephaly. Also called: Macrocephalus; large head. Identifiers: MedGen C2243051, HP:0000256.
Dolichocephaly. Identifiers: MedGen C0221358, HP:0000268.

Submissions (2):

CeGaT Center for Human Genetics Tuebingen
Classification: Pathogenic. Last evaluated: 2023-08-01. Review status: criteria provided, single submitter. Criteria: CeGaT Center For Human Genetics Tuebingen Variant Classification Criteria Version 2. Collection method: clinical testing. Allele origin: germline. Affected: yes. Observed: 1 variant allele.
Comment: SATB2: PVS1, PM2

Centre for Mendelian Genomics, University Medical Centre Ljubljana
Classification: Pathogenic for Abnormality of the dentition; Cleft palate; Clinodactyly of the 5th finger; Dolichocephaly; Global developmental delay; Macrocephaly. Last evaluated: 2017-01-01. Review status: criteria provided, single submitter. Criteria: ACMG Guidelines, 2015. Collection method: clinical testing. Allele origin: unknown. Affected: yes.

NM_001172509.2(SATB2):c.1654_1655del (p.Arg552fs)

Gene: SATB2 (SATB homeobox 2; minus strand). Cytogenetic location: 2q33.1.
Variant type: Microsatellite.
Coding change: c.1654_1655del on transcript NM_001172509.2 (MANE Select); coding-DNA positions 1654 to 1655, 2 bases deleted (AG; older notation c.1654_1655delAG).
Protein change: p.Arg552fs; shifts the reading frame from arginine 552.
Molecular consequence: frameshift variant.
Genome position (GRCh38, 1-based): chr2:199,308,845-199,308,846, CT deleted on the plus strand (AG on the coding strand, the reverse complement: SATB2 is on the minus strand); deleting any 2 consecutive bases within chr2:199,308,845-199,308,849 gives the same sequence; the c. name uses the placement nearest the transcript's 3' end. VCF-style (leftmost placement, unchanged base first): chr2-199308844-CCT-C. GRCh37 (hg19) VCF-style: chr2-200173567-CCT-C.
Other names: c.1654_1655del, p.Arg552fs (NM_001172517.1, NM_015265.4); short protein forms R552fs.
Identifiers: ClinVar variation 523423 (VCV000523423.28), dbSNP rs1553544133, ClinGen allele CA658796142.